The following is an entry in ClinVar:

NM_000158.4(GBE1):c.1300C>T (p.Arg434Ter)

Gene: GBE1 (1,4-alpha-glucan branching enzyme 1; minus strand). Cytogenetic location: 3p12.2.
Variant type: single nucleotide variant.
Coding change: c.1300C>T on transcript NM_000158.4 (MANE Select); coding-DNA position 1300, C replaced by T.
Protein change: p.Arg434Ter; replaces arginine 434 with a stop codon.
Molecular consequence: nonsense.
Genome position (GRCh38, 1-based): chr3:81,586,127, G>A on the plus strand (C>T on the coding strand, the complement: GBE1 is on the minus strand). VCF-style: chr3-81586127-G-A. GRCh37 (hg19) VCF-style: chr3-81635278-G-A.
Other names: NM_000158.4(GBE1):c.1300C>T; p.Arg434Ter; short protein forms R434*.
Identifiers: ClinVar variation 836518 (VCV000836518.12), dbSNP rs781198373, ClinGen allele CA2499712.
Genomic context (GRCh38, chr3:81,586,127, plus strand): 5'-AAAAAATATTTACATGGACTCTTACCTGAATCCACTTATCTGGAATTGCCATGGCTAGTC[G>A]ATAGTCAAAACCACCCCCTCCCTGGGAAATTGGAGAGCACAGAGCTGGCATTCCTGATAC-3'

ClinVar aggregate classification (germline): Pathogenic/Likely pathogenic. Review status: criteria provided, multiple submitters, no conflicts (2 of 4 stars). 5 submissions from 5 submitters: Pathogenic (1); Likely pathogenic (3). 1 of the submissions does not count toward it. Last evaluated 2026-01-24.

Conditions:
GBE1-related disorder. Also called: GBE1-related condition; GBE1-related disorders. Identifiers: MedGen CN239402.
Glycogen storage disease IV, classic hepatic. Also called: GSD IV, CLASSIC HEPATIC. Identifiers: MedGen C1856301.
Glycogen storage disease, type IV (GSD4). Also called: GBE1 DEFICIENCY; GLYCOGEN BRANCHING ENZYME DEFICIENCY; GLYCOGENOSIS IV; GSD IV; AMYLOPECTINOSIS; ANDERSEN DISEASE. Identifiers: Orphanet 367, MedGen C0017923, MONDO:0009292, OMIM 232500.

Allele frequency attached by ClinVar (database versions not stated): gnomAD 0.00001; TOPMed 0.00001; gnomAD exomes 0.00002 and 0.00003; ExAC 0.00003.
gnomAD v4.1: 25 of 1,609,276 alleles (0.0016%); highest among the groups gnomAD compares: Admixed American, 0.0084%; no homozygotes.

Submissions (5):

Natera, Inc.
Classification: Likely pathogenic for Glycogen storage disease type IV. Last evaluated: 2026-01-24. Review status: criteria provided, single submitter. Criteria: Natera Variant Classification Schema (03/2026). Collection method: clinical testing. Allele origin: germline.
Comment: The c.1300C>T variant in GBE1 is a nonsense variant predicted to introduce a stop codon at amino acid 434. This variant is expected to result in nonsense mediated decay, truncation, or a dysfunctional protein product. This variant is rare in the general population with a frequency below the threshold expected for the associated phenotype(s). Given the available evidence, this variant is classified as Likely Pathogenic.

Baylor Genetics
Classification: Likely pathogenic for Glycogen storage disease, type IV. Last evaluated: 2024-03-20. Review status: criteria provided, single submitter. Criteria: ACMG Guidelines, 2015. Collection method: clinical testing. Allele origin: unknown.

Labcorp Genetics (formerly Invitae), Labcorp
Classification: Pathogenic for Glycogen storage disease, type IV; Glycogen storage disease IV, classic hepatic. Last evaluated: 2023-10-28. Review status: criteria provided, single submitter. Criteria: Invitae Variant Classification Sherloc (09022015). Collection method: clinical testing. Allele origin: germline.
Comment: This sequence change creates a premature translational stop signal (p.Arg434*) in the GBE1 gene. It is expected to result in an absent or disrupted protein product. Loss-of-function variants in GBE1 are known to be pathogenic (PMID: 15452297, 20058079). This variant is present in population databases (rs781198373, gnomAD 0.02%). This variant has not been reported in the literature in individuals affected with GBE1-related conditions. ClinVar contains an entry for this variant (Variation ID: 836518). Algorithms developed to predict the effect of sequence changes on RNA splicing suggest that this variant may disrupt the consensus splice site. For these reasons, this variant has been classified as Pathogenic.

Broad Center for Mendelian Genomics, Broad Institute of MIT and Harvard
Classification: Likely pathogenic for Glycogen storage disease, type IV. Last evaluated: 2022-01-27. Review status: criteria provided, single submitter. Criteria: ACMG Guidelines, 2015. Collection method: curation. Allele origin: germline. Inheritance: Autosomal recessive inheritance.
Comment: The p.Arg434Ter variant in GBE1 has not been previously reported in the literature in individuals with GBE1-related disorders but has been identified in 0.02% (5/33224) of Latino/Admixed American chromosomes by the Genome Aggregation Database (gnomAD; dbSNP ID: rs781198373). Although this variant has been seen in the general population in a heterozygous state, its frequency is not high enough to rule out a pathogenic role. This variant has also been reported in ClinVar (Variation ID#: 836518) and has been interpreted as pathogenic by Invitae. This nonsense variant leads to a premature termination codon at position 434, which is predicted to lead to a truncated or absent protein. Loss of function of the GBE1 gene is an established disease mechanism in autosomal recessive GBE1-related disorders. In summary, although additional studies are required to fully establish its clinical significance, this variant is likely pathogenic for autosomal recessive GBE1-related disorders. ACMG/AMP Criteria applied: PVS1, PM2 (Richards 2015).

PreventionGenetics, part of Exact Sciences
Classification: Likely pathogenic for GBE1-related condition. Last evaluated: 2023-11-21. Review status: no assertion criteria provided. Collection method: clinical testing. Allele origin: germline. Not counted in ClinVar's aggregate classification.
Comment: The GBE1 c.1300C>T variant is predicted to result in premature protein termination (p.Arg434*). To our knowledge, this variant was not reported in the literature. This variant is reported in 0.015% of alleles in individuals of Latino descent in gnomAD. Nonsense variants in GBE1 are expected to be pathogenic. This variant is interpreted as likely pathogenic.

Literature cited by the submitters: PubMed 15452297 (cited by Labcorp Genetics (formerly Invitae), Labcorp); PubMed 20058079 (cited by Labcorp Genetics (formerly Invitae), Labcorp).